The following is an entry in ClinVar:

ClinVar aggregate classification (germline): Pathogenic (1 of 4 stars; one submission).

Conditions:
Coffin-Lowry syndrome (CLS). Also called: COFFIN-LOWRY SYNDROME, MILD; Mental retardation with osteocartilaginous abnormalities. Identifiers: Orphanet 192, MedGen C0265252, MONDO:0010561, OMIM 303600.
Intellectual developmental disorder, X-linked 19. Also called: Intellectual disability, X-linked 19. Identifiers: Orphanet 777, MedGen C0796225, MONDO:0010447, OMIM 300844.

Submission:

Labcorp Genetics (formerly Invitae), Labcorp
Classification: Pathogenic for Coffin-Lowry syndrome; Intellectual developmental disorder, X-linked 19. Last evaluated: 2022-06-02. Review status: criteria provided, single submitter. Criteria: Invitae Variant Classification Sherloc (09022015). Collection method: clinical testing. Allele origin: germline.
Comment: This sequence change replaces proline, which is neutral and non-polar, with serine, which is neutral and polar, at codon 237 of the RPS6KA3 protein (p.Pro237Ser). This variant is not present in population databases (gnomAD no frequency). This missense change has been observed in individual(s) with clinical features of RPS6KA3-related conditions (Invitae). In at least one individual the variant was observed to be de novo. Advanced modeling of protein sequence and biophysical properties (such as structural, functional, and spatial information, amino acid conservation, physicochemical variation, residue mobility, and thermodynamic stability) performed at Invitae indicates that this missense variant is expected to disrupt RPS6KA3 protein function. For these reasons, this variant has been classified as Pathogenic.

NM_004586.3(RPS6KA3):c.709C>T (p.Pro237Ser)

Gene: RPS6KA3 (ribosomal protein S6 kinase A3; minus strand). Cytogenetic location: Xp22.12.
Variant type: single nucleotide variant.
Coding change: c.709C>T on transcript NM_004586.3 (MANE Select); coding-DNA position 709, C replaced by T.
Protein change: p.Pro237Ser; replaces proline 237 with serine.
Molecular consequence: missense variant.
Genome position (GRCh38, 1-based): chrX:20,187,893, G>A on the plus strand (C>T on the coding strand, the complement: RPS6KA3 is on the minus strand). VCF-style: chrX-20187893-G-A. GRCh37 (hg19) VCF-style: chrX-20206011-G-A.
Other names: short protein forms P237S.
Identifiers: ClinVar variation 2106659 (VCV002106659.4), dbSNP rs2519732229, ClinGen allele CA412508264.